The following is an entry in ClinVar:

ClinVar aggregate classification (germline): Uncertain significance. Review status: criteria provided, multiple submitters, no conflicts (2 of 4 stars). 4 submissions from 4 submitters: Uncertain significance (4). Last evaluated 2025-12-12.

Conditions:
Hereditary cancer-predisposing syndrome. Also called: Neoplastic Syndromes, Hereditary; Hereditary Cancer Syndrome; Hereditary neoplastic syndrome; Tumor predisposition. Identifiers: Orphanet 140162, MedGen C0027672, MeSH D009386, MONDO:0015356.
Tumor predisposition syndrome 3 (TPDS3). Also called: Glioma susceptibility 9; LONG TELOMERE SYNDROME, POT1-RELATED; POT1 Tumor Predisposition; Melanoma, cutaneous malignant, susceptibility to, 10. Identifiers: Orphanet 618, MedGen C4014476, MONDO:0014368, OMIM 615848.

gnomAD v4.1: 6 of 1,613,798 alleles (0.00037%); highest among the groups gnomAD compares: Non-Finnish European, 0.00051%; no homozygotes.

Submissions (4):

Ambry Genetics
Classification: Uncertain significance for Hereditary cancer-predisposing syndrome. Last evaluated: 2025-12-12. Review status: criteria provided, single submitter. Criteria: Ambry Variant Classification Scheme 2023. Collection method: clinical testing. Allele origin: germline.
Comment: The p.G108E variant (also known as c.323G>A), located in coding exon 4 of the POT1 gene, results from a G to A substitution at nucleotide position 323. The glycine at codon 108 is replaced by glutamic acid, an amino acid with similar properties. This variant was reported in individual(s) with features consistent with POT1-related tumor predisposition syndrome (Nielsen EN et al. J Med Genet, 2025 Oct;:). This amino acid position is highly conserved in available vertebrate species. In addition, this alteration is predicted to be deleterious by in silico analysis. Based on the available evidence, the clinical significance of this variant remains unclear.

Labcorp Genetics (formerly Invitae), Labcorp
Classification: Uncertain significance for Tumor predisposition syndrome 3. Last evaluated: 2025-11-17. Review status: criteria provided, single submitter. Criteria: Invitae Variant Classification Sherloc (09022015). Collection method: clinical testing. Allele origin: germline.
Comment: This sequence change replaces glycine, which is neutral and non-polar, with glutamic acid, which is acidic and polar, at codon 108 of the POT1 protein (p.Gly108Glu). This variant is not present in population databases (gnomAD no frequency). This variant has not been reported in the literature in individuals affected with POT1-related conditions. ClinVar contains an entry for this variant (Variation ID: 1014661). Invitae Evidence Modeling of protein sequence and biophysical properties (such as structural, functional, and spatial information, amino acid conservation, physicochemical variation, residue mobility, and thermodynamic stability) indicates that this missense variant is not expected to disrupt POT1 protein function with a negative predictive value of 80%. In summary, the available evidence is currently insufficient to determine the role of this variant in disease. Therefore, it has been classified as a Variant of Uncertain Significance.

Department of Clinical Genetics, Copenhagen University Hospital, Rigshospitalet
Classification: Uncertain significance for Tumor predisposition syndrome 3. Last evaluated: 2025-05-06. Review status: criteria provided, single submitter. Criteria: ACMG Guidelines, 2015. Collection method: clinical testing. Allele origin: germline. Affected: yes.
Comment: The following ACMG criteria has been used: PM2_SUP

GeneDx
Classification: Uncertain significance. Last evaluated: 2019-09-24. Review status: criteria provided, single submitter. Criteria: GeneDx Variant Classification Process June 2021. Collection method: clinical testing. Allele origin: germline. Affected: yes.
Comment: Not observed in large population cohorts (Lek 2016); In silico analysis, which includes protein predictors and evolutionary conservation, supports a deleterious effect; Has not been previously published as pathogenic or benign to our knowledge

Literature cited by the submitters: PubMed 41136327 (cited by Ambry Genetics); PubMed 40015989 (cited by Department of Clinical Genetics, Copenhagen University Hospital, Rigshospitalet).

NM_015450.3(POT1):c.323G>A (p.Gly108Glu)

Gene: POT1 (protection of telomeres 1; minus strand). Cytogenetic location: 7q31.33.
Variant type: single nucleotide variant.
Coding change: c.323G>A on transcript NM_015450.3 (MANE Select); coding-DNA position 323, G replaced by A.
Protein change: p.Gly108Glu; replaces glycine 108 with glutamic acid.
Molecular consequence: missense variant. On other transcripts: 5 prime UTR variant (1), non-coding transcript variant (3).
Genome position (GRCh38, 1-based): chr7:124,863,573, C>T on the plus strand (G>A on the coding strand, the complement: POT1 is on the minus strand). VCF-style: chr7-124863573-C-T. GRCh37 (hg19) VCF-style: chr7-124503627-C-T.
Other names: c.-71G>A (NM_001042594.2); short protein forms G108E.
Identifiers: ClinVar variation 1014661 (VCV001014661.14), dbSNP rs1290433563, ClinGen allele CA369060134.
Genomic context (GRCh38, chr7:124,863,573, plus strand): 5'-TCAGTAGTGAAGTTAAAATACTTGCTTGAAGTGCGAGGTATGATAGGGGCTCCCAAAGTT[C>T]CCTCAAACGTCAAAGATGCAAAGCCAGAGCTGGTGATACCCTGAGTCTCCTTTTTATATA-3'
Protein context (NP_056265.2, residues 98-118): SSGFASLTFE[Gly108Glu]TLGAPIIPRT